The following is an entry in ClinVar:

NM_014425.5(INVS):c.337G>A (p.Glu113Lys)

Gene: INVS (inversin; plus strand). Cytogenetic location: 9q31.1.
Variant type: single nucleotide variant.
Coding change: c.337G>A on transcript NM_014425.5 (MANE Select); coding-DNA position 337, G replaced by A.
Protein change: p.Glu113Lys; replaces glutamic acid 113 with lysine.
Molecular consequence: missense variant. On other transcripts: 5 prime UTR variant (1), non-coding transcript variant (1).
Genome position (GRCh38, 1-based): chr9:100,226,125, G>A. VCF-style: chr9-100226125-G-A. GRCh37 (hg19) VCF-style: chr9-102988407-G-A.
Other names: c.49G>A, p.Glu17Lys (NM_001318381.2); c.-653G>A (NM_001318382.2); c.337G>A (NM_014425.4); short protein forms E17K, E113K.
Identifiers: ClinVar variation 1390266 (VCV001390266.6), dbSNP rs747572974, ClinGen allele CA5158141.
Genomic context (GRCh38, chr9:100,226,125, plus strand): 5'-AATTATCGTTTCATGAAACTCTTACTTACACGCAGAGCAAACTGGATGCAAAAGGATCTG[G>A]AAGAGATGACTCCTTTGCACTTGACCACCCGGCACAGGAGCCCTAAGTGTTTGGCACTTC-3'
Protein context (NP_055240.2, residues 103-123): RRANWMQKDL[Glu113Lys]EMTPLHLTTR

ClinVar aggregate classification (germline): Uncertain significance. Review status: criteria provided, multiple submitters, no conflicts (2 of 4 stars). 3 submissions from 3 submitters: Uncertain significance (3). Last evaluated 2025-01-23.

Conditions:
Nephronophthisis. Also called: Juvenile Nephronophthisis. Identifiers: Orphanet 655, MedGen C0687120, MONDO:0019005, HP:0000090.
INVS-related disorder. Also called: INVS-related condition.
Infantile nephronophthisis (NPHP2). Also called: Nephronophthisis 2; Nephronophthisis 2, infantile. Identifiers: Orphanet 655, Orphanet 93591, MedGen C1865872, MONDO:0011190, OMIM 602088.

Allele frequency attached by ClinVar (database versions not stated): gnomAD exomes 0.00001 and 0.00002; TOPMed 0.00001; gnomAD 0.00002; ExAC 0.00003.
gnomAD v4.1: 14 of 1,613,744 alleles (0.00087%); highest among the groups gnomAD compares: Non-Finnish European, 0.0012%; no homozygotes.

Submissions (3):

PreventionGenetics, part of Exact Sciences
Classification: Uncertain significance for INVS-related condition. Last evaluated: 2025-01-23. Review status: criteria provided, single submitter. Criteria: ACMG Guidelines, 2015. Collection method: clinical testing. Allele origin: germline.
Comment: The INVS c.337G>A variant is predicted to result in the amino acid substitution p.Glu113Lys. To our knowledge, this variant has not been reported in the literature. This variant is reported in 0.0053% of alleles in individuals of European (Non-Finnish) descent in gnomAD. At this time, the clinical significance of this variant is uncertain due to the absence of conclusive functional and genetic evidence.

Fulgent Genetics
Classification: Uncertain significance for Infantile nephronophthisis. Last evaluated: 2024-06-10. Review status: criteria provided, single submitter. Criteria: ACMG Guidelines, 2015. Collection method: clinical testing. Allele origin: germline.

Labcorp Genetics (formerly Invitae), Labcorp
Classification: Uncertain significance for Nephronophthisis. Last evaluated: 2022-08-09. Review status: criteria provided, single submitter. Criteria: Invitae Variant Classification Sherloc (09022015). Collection method: clinical testing. Allele origin: germline.
Comment: This sequence change replaces glutamic acid, which is acidic and polar, with lysine, which is basic and polar, at codon 113 of the INVS protein (p.Glu113Lys). This variant is present in population databases (rs747572974, gnomAD 0.004%). This variant has not been reported in the literature in individuals affected with INVS-related conditions. ClinVar contains an entry for this variant (Variation ID: 1390266). Algorithms developed to predict the effect of missense changes on protein structure and function are either unavailable or do not agree on the potential impact of this missense change (SIFT: "Tolerated"; PolyPhen-2: "Probably Damaging"; Align-GVGD: "Class C0"). In summary, the available evidence is currently insufficient to determine the role of this variant in disease. Therefore, it has been classified as a Variant of Uncertain Significance.